The following is an entry in ClinVar:

NM_001199165.4(CEP112):c.1252C>T (p.Gln418Ter)

Gene: CEP112 (centrosomal protein 112; minus strand). Cytogenetic location: 17q24.1.
Variant type: single nucleotide variant.
Coding change: c.1252C>T on transcript NM_001199165.4 (MANE Select); coding-DNA position 1252, C replaced by T.
Protein change: p.Gln418Ter; replaces glutamine 418 with a stop codon.
Molecular consequence: nonsense.
Genome position (GRCh38, 1-based): chr17:66,029,990, G>A on the plus strand (C>T on the coding strand, the complement: CEP112 is on the minus strand). VCF-style: chr17-66029990-G-A. GRCh37 (hg19) VCF-style: chr17-64026108-G-A.
Other names: c.1126C>T, p.Gln376Ter (NM_001302891.3, NM_001353128.2); c.1252C>T, p.Gln418Ter (NM_001353127.2); c.1255C>T, p.Gln419Ter (NM_001353129.2); short protein forms Q376*, Q418*, Q419*.
Identifiers: ClinVar variation 4526594 (VCV004526594.1).

ClinVar aggregate classification (germline): Likely pathogenic (1 of 4 stars; one submission).

Conditions:
Spermatogenic failure 44. Identifiers: MedGen C5436678, MONDO:0033622, OMIM 619044.

gnomAD v4.1: 7 of 1,613,604 alleles (0.00043%); highest among the groups gnomAD compares: Middle Eastern, 0.05%; no homozygotes.

Submission:

First Genomix Gene Laboratory, Genetic Diagnostics Department
Classification: Likely pathogenic for Spermatogenic failure 44. Last evaluated: 2025-04-07. Review status: criteria provided, single submitter. Criteria: ACMG Guidelines, 2015. Collection method: clinical testing. Allele origin: germline. Inheritance: Autosomal recessive inheritance. Affected: no. Observed: 1 variant allele.